The following is an entry in ClinVar:

ClinVar aggregate classification (germline): Uncertain significance (1 of 4 stars; one submission).

Conditions:
Charcot-Marie-Tooth disease, type I (CMT1). Also called: Charcot-Marie-Tooth disease type 1; Charcot-Marie-Tooth, Type 1. Identifiers: Orphanet 65753, MedGen C0751036, MONDO:0019011.

Submission:

Labcorp Genetics (formerly Invitae), Labcorp
Classification: Uncertain significance for Charcot-Marie-Tooth disease, type I. Last evaluated: 2024-02-01. Review status: criteria provided, single submitter. Criteria: Invitae Variant Classification Sherloc (09022015). Collection method: clinical testing. Allele origin: germline.
Comment: This sequence change replaces valine, which is neutral and non-polar, with alanine, which is neutral and non-polar, at codon 157 of the MPZ protein (p.Val157Ala). This variant is not present in population databases (gnomAD no frequency). This variant has not been reported in the literature in individuals affected with MPZ-related conditions. Advanced modeling of protein sequence and biophysical properties (such as structural, functional, and spatial information, amino acid conservation, physicochemical variation, residue mobility, and thermodynamic stability) performed at Invitae indicates that this missense variant is not expected to disrupt MPZ protein function with a negative predictive value of 80%. In summary, the available evidence is currently insufficient to determine the role of this variant in disease. Therefore, it has been classified as a Variant of Uncertain Significance.

NM_000530.8(MPZ):c.470T>C (p.Val157Ala)

Gene: MPZ (myelin protein zero; minus strand). Cytogenetic location: 1q23.3.
Variant type: single nucleotide variant.
Coding change: c.470T>C on transcript NM_000530.8 (MANE Select); coding-DNA position 470, T replaced by C.
Protein change: p.Val157Ala; replaces valine 157 with alanine.
Molecular consequence: missense variant.
Genome position (GRCh38, 1-based): chr1:161,306,443, A>G on the plus strand (T>C on the coding strand, the complement: MPZ is on the minus strand). VCF-style: chr1-161306443-A-G. GRCh37 (hg19) VCF-style: chr1-161276233-A-G.
Other names: c.470T>C, p.Val157Ala (NM_001315491.2); short protein forms V157A.
Identifiers: ClinVar variation 3708620 (VCV003708620.2).